The following is an entry in ClinVar:

NM_019597.5(HNRNPH2):c.596G>A (p.Arg199Gln)

Genes: HNRNPH2 (heterogeneous nuclear ribonucleoprotein H2; plus strand), RPL36A-HNRNPH2 (RPL36A-HNRNPH2 readthrough; plus strand). Cytogenetic location: Xq22.1.
Variant type: single nucleotide variant.
Coding change: c.596G>A on transcript NM_019597.5 (MANE Select); coding-DNA position 596, G replaced by A.
Protein change: p.Arg199Gln; replaces arginine 199 with glutamine.
Molecular consequence: missense variant. On other transcripts: 3 prime UTR variant (2).
Genome position (GRCh38, 1-based): chrX:101,412,584, G>A. VCF-style: chrX-101412584-G-A. GRCh37 (hg19) VCF-style: chrX-100667572-G-A.
Other names: c.*592G>A (NM_001199973.2, NM_001199974.2); c.596G>A, p.Arg199Gln (NM_001032393.3); short protein forms R199Q.
Identifiers: ClinVar variation 4858365 (VCV004858365.1).

ClinVar aggregate classification (germline): Uncertain significance (1 of 4 stars; one submission).

Conditions:
Inborn genetic diseases. Identifiers: MedGen C0950123, MeSH D030342.

gnomAD v4.1: 1 of 1,211,885 alleles (0.000083%); highest among the groups gnomAD compares: Non-Finnish European, 0.00011%; no homozygotes.

Submission:

Ambry Genetics
Classification: Uncertain significance for Inborn genetic diseases. Last evaluated: 2026-05-23. Review status: criteria provided, single submitter. Criteria: Ambry Variant Classification Scheme 2023. Collection method: clinical testing. Allele origin: germline.
Comment: The c.596G>A (p.R199Q) alteration is located in exon 2 (coding exon 1) of the HNRNPH2 gene. This alteration results from a G to A substitution at nucleotide position 596, causing the arginine (R) at amino acid position 199 to be replaced by a glutamine (Q). Based on data from gnomAD, the A allele has an overall frequency of 0.005% (1/21908) total alleles studied. The highest observed frequency was 0.009% (1/10784) of European (non-Finnish) alleles. Based on insufficient or conflicting evidence, the clinical significance of this alteration remains unclear.